The following is an entry in ClinVar:

ClinVar aggregate classification (germline): Likely benign (1 of 4 stars; one submission).

Allele frequency attached by ClinVar (database versions not stated): gnomAD exomes below 0.00001; ExAC 0.00001.
gnomAD v4.1: 5 of 1,614,246 alleles (0.00031%); highest among the groups gnomAD compares: Admixed American, 0.0033%; no homozygotes.

Submission:

CeGaT Center for Human Genetics Tuebingen
Classification: Likely benign. Last evaluated: 2022-12-01. Review status: criteria provided, single submitter. Criteria: CeGaT Center For Human Genetics Tuebingen Variant Classification Criteria Version 2. Collection method: clinical testing. Allele origin: germline. Affected: yes. Observed: 1 variant allele.
Comment: KIDINS220: BP4, BP7

NM_020738.4(KIDINS220):c.5214A>G (p.Gln1738=)

Gene: KIDINS220 (kinase D interacting substrate 220; minus strand). Cytogenetic location: 2p25.1.
Variant type: single nucleotide variant.
Coding change: c.5214A>G on transcript NM_020738.4 (MANE Select); coding-DNA position 5214, A replaced by G.
Protein change: p.Gln1738=; no amino-acid change (glutamine 1738 retained).
Molecular consequence: synonymous variant. On other transcripts: intron variant (6).
Genome position (GRCh38, 1-based): chr2:8,730,822, T>C on the plus strand (A>G on the coding strand, the complement: KIDINS220 is on the minus strand). VCF-style: chr2-8730822-T-C. GRCh37 (hg19) VCF-style: chr2-8870952-T-C.
Other names: c.5217A>G, p.Gln1739= (NM_001348729.2); c.5160A>G, p.Gln1720= (NM_001348731.2); c.5157A>G, p.Gln1719= (NM_001348732.2); c.5046A>G, p.Gln1682= (NM_001348734.2); c.5043A>G, p.Gln1681= (NM_001348735.2); c.4917A>G, p.Gln1639= (NM_001348736.2); c.3882+2622A>G (NM_001348741.2, NM_001348742.2, NM_001348743.2); c.3996+2622A>G (NM_001348738.2); and 1 more.
Identifiers: ClinVar variation 2650644 (VCV002650644.24), dbSNP rs757977270, ClinGen allele CA1519233.